The following is an entry in ClinVar:

ClinVar aggregate classification (germline): Likely pathogenic (1 of 4 stars; one submission).

Conditions:
Charcot-Marie-Tooth disease type 4. Also called: Charcot-Marie-Tooth disease, type IV; Charcot-Marie-Tooth, Type 4. Identifiers: Orphanet 64749, MedGen C4082197, MONDO:0018995.

Allele frequency attached by ClinVar (database versions not stated): gnomAD exomes below 0.00001 and 0.00001; ExAC 0.00001.
gnomAD v4.1: 1 of 1,612,610 alleles (0.000062%); highest among the groups gnomAD compares: South Asian, 0.0011%; no homozygotes.

Submission:

Labcorp Genetics (formerly Invitae), Labcorp
Classification: Likely pathogenic for Charcot-Marie-Tooth disease type 4. Last evaluated: 2021-11-21. Review status: criteria provided, single submitter. Criteria: Invitae Variant Classification Sherloc (09022015). Collection method: clinical testing. Allele origin: germline.
Comment: This sequence change creates a premature translational stop signal (p.Gln1169*) in the PRX gene. While this is not anticipated to result in nonsense mediated decay, it is expected to disrupt the last 293 amino acid(s) of the PRX protein. The frequency data for this variant in the population databases is considered unreliable, as metrics indicate poor data quality at this position in the gnomAD database. This variant has not been reported in the literature in individuals affected with PRX-related conditions. Algorithms developed to predict the effect of sequence changes on RNA splicing suggest that this variant may create or strengthen a splice site. This variant disrupts the C-terminus of the PRX protein. Other variant(s) that disrupt this region (p.Glu1322Glyfs*3, p.Gly1258Thrfs*124, p.Glu1235*) have been observed in individuals with PRX-related conditions (PMID: 21840889, 24078732, 29858556). This suggests that this may be a clinically significant region of the protein. In summary, the currently available evidence indicates that the variant is pathogenic, but additional data are needed to prove that conclusively. Therefore, this variant has been classified as Likely Pathogenic.

Literature cited by the submitters: PubMed 21840889; PubMed 24078732; PubMed 29858556.

NM_181882.3(PRX):c.3505C>T (p.Gln1169Ter)

Gene: PRX (periaxin; minus strand). Cytogenetic location: 19q13.2.
Variant type: single nucleotide variant.
Coding change: c.3505C>T on transcript NM_181882.3 (MANE Select); coding-DNA position 3505, C replaced by T.
Protein change: p.Gln1169Ter; replaces glutamine 1169 with a stop codon.
Molecular consequence: nonsense. On other transcripts: 3 prime UTR variant (1).
Genome position (GRCh38, 1-based): chr19:40,394,847, G>A on the plus strand (C>T on the coding strand, the complement: PRX is on the minus strand). VCF-style: chr19-40394847-G-A. GRCh37 (hg19) VCF-style: chr19-40900754-G-A.
Other names: c.*3710C>T (NM_020956.2); short protein forms Q1169*.
Identifiers: ClinVar variation 1508915 (VCV001508915.6), dbSNP rs767591489, ClinGen allele CA9443844.